The following is an entry in ClinVar:

ClinVar aggregate classification (germline): Likely pathogenic (1 of 4 stars; one submission).

Submission:

Labcorp Genetics (formerly Invitae), Labcorp
Classification: Likely pathogenic. Last evaluated: 2021-04-20. Review status: criteria provided, single submitter. Criteria: Invitae Variant Classification Sherloc (09022015). Collection method: clinical testing. Allele origin: germline.
Comment: This sequence change affects an acceptor splice site in intron 17 of the MTTP gene. It is expected to disrupt RNA splicing. Variants that disrupt the donor or acceptor splice site typically lead to a loss of protein function (PMID: 16199547), and loss-of-function variants in MTTP are known to be pathogenic (PMID: 8533758, 9671739). This variant is not present in population databases (ExAC no frequency). This variant has not been reported in the literature in individuals with MTTP-related conditions. Algorithms developed to predict the effect of sequence changes on RNA splicing suggest that this variant may disrupt the consensus splice site, but this prediction has not been confirmed by published transcriptional studies. In summary, the currently available evidence indicates that the variant is pathogenic, but additional data are needed to prove that conclusively. Therefore, this variant has been classified as Likely Pathogenic.

Literature cited by the submitters: PubMed 16199547; PubMed 8533758; PubMed 9671739.

NM_001386140.1(MTTP):c.2343-2A>T

Gene: MTTP (microsomal triglyceride transfer protein; plus strand). Cytogenetic location: 4q23.
Variant type: single nucleotide variant.
Coding change: c.2343-2A>T on transcript NM_001386140.1 (MANE Select); the canonical splice acceptor site of the intron before coding-DNA position 2343, A replaced by T.
Molecular consequence: splice acceptor variant.
Genome position (GRCh38, 1-based): chr4:99,621,059, A>T. VCF-style: chr4-99621059-A-T. GRCh37 (hg19) VCF-style: chr4-100542216-A-T.
Other names: c.2343-2A>T (NM_000253.4); c.2094-2A>T (NM_001300785.2).
Identifiers: ClinVar variation 1519984 (VCV001519984.8), dbSNP rs2110238237, ClinGen allele CA357519314.